The following is an entry in ClinVar:

ClinVar aggregate classification (germline): Uncertain significance (1 of 4 stars; one submission).

Allele frequency attached by ClinVar (database versions not stated): gnomAD exomes below 0.00001; ExAC 0.00001.
gnomAD v4.1: 3 of 1,613,742 alleles (0.00019%); highest among the groups gnomAD compares: Admixed American, 0.0017%; no homozygotes.

Submission:

GeneDx
Classification: Uncertain significance. Last evaluated: 2019-04-15. Review status: criteria provided, single submitter. Criteria: GeneDx Variant Classification Process June 2021. Collection method: clinical testing. Allele origin: germline. Affected: yes.
Comment: Not observed in large population cohorts (Lek et al., 2016); In silico analysis, which includes protein predictors and evolutionary conservation, supports a deleterious effect; Has not been previously published as pathogenic or benign to our knowledge

NM_001166114.2(PNPLA6):c.3074G>A (p.Arg1025Gln)

Gene: PNPLA6 (patatin like domain 6, lysophospholipase; plus strand). Cytogenetic location: 19p13.2.
Variant type: single nucleotide variant.
Coding change: c.3074G>A on transcript NM_001166114.2 (MANE Select); coding-DNA position 3074, G replaced by A.
Protein change: p.Arg1025Gln; replaces arginine 1025 with glutamine.
Molecular consequence: missense variant.
Genome position (GRCh38, 1-based): chr19:7,555,744, G>A. VCF-style: chr19-7555744-G-A. GRCh37 (hg19) VCF-style: chr19-7620630-G-A.
Other names: c.3104G>A, p.Arg1035Gln (NM_001166111.2); c.2879G>A, p.Arg960Gln (NM_001166112.2); c.2960G>A, p.Arg987Gln (NM_001166113.1, NM_006702.5); short protein forms R1025Q, R1035Q, R960Q, R987Q.
Identifiers: ClinVar variation 1308532 (VCV001308532.2), dbSNP rs751513186, ClinGen allele CA9140307.